The following is an entry in ClinVar:

NM_000138.5(FBN1):c.5015G>T (p.Cys1672Phe)

Gene: FBN1 (fibrillin 1; minus strand). Cytogenetic location: 15q21.1.
Variant type: single nucleotide variant.
Coding change: c.5015G>T on transcript NM_000138.5 (MANE Select); coding-DNA position 5015, G replaced by T.
Protein change: p.Cys1672Phe; replaces cysteine 1672 with phenylalanine.
Molecular consequence: missense variant.
Genome position (GRCh38, 1-based): chr15:48,463,949, C>A on the plus strand (G>T on the coding strand, the complement: FBN1 is on the minus strand). VCF-style: chr15-48463949-C-A. GRCh37 (hg19) VCF-style: chr15-48756146-C-A.
Other names: short protein forms C1672F.
Identifiers: ClinVar variation 640108 (VCV000640108.11), dbSNP rs140627, ClinGen allele CA269548255.

ClinVar aggregate classification (germline): Pathogenic. Review status: criteria provided, multiple submitters, no conflicts (2 of 4 stars). 2 submissions from 2 submitters: Pathogenic (2). Last evaluated 2023-07-28.

Conditions:
Familial thoracic aortic aneurysm and aortic dissection (TAAD). Also called: Thoracic aortic aneurysms and dissections. Identifiers: Orphanet 91387, MedGen C4707243, MONDO:0019625.
Marfan syndrome (MFS). Also called: FBN1-Related Marfan Syndrome; Marfan syndrome type 1; Marfan's syndrome; Marfan syndrome, classic; MARFAN SYNDROME, TYPE I. Identifiers: Orphanet 284963, Orphanet 558, MedGen C0024796, MONDO:0007947, OMIM 154700.

Submissions (2):

GeneDx
Classification: Pathogenic. Last evaluated: 2023-07-28. Review status: criteria provided, single submitter. Criteria: GeneDx Variant Classification Process June 2021. Collection method: clinical testing. Allele origin: germline. Affected: yes.
Comment: Not observed at significant frequency in large population cohorts (gnomAD); Functional studies in patient-derived fibroblasts showed high level of fibrillin synthesis and a disproportionately low rate of deposition compared to wild-type (PMID: 10486319); In silico analysis supports that this missense variant has a deleterious effect on protein structure/function; Affects a cysteine residue within a calcium-binding EGF-like domain of the FBN1 gene, which may affect disulfide bonding and is predicted to alter the structure and function of the protein; cysteine substitutions in the calcium-binding EGF-like domains represent the majority of pathogenic missense changes associated with FBN1-related disorders (PMID: 12938084); This variant is associated with the following publications: (PMID: 14751981, 10486319, 12938084)

Labcorp Genetics (formerly Invitae), Labcorp
Classification: Pathogenic for Marfan syndrome; Familial thoracic aortic aneurysm and aortic dissection. Last evaluated: 2019-01-27. Review status: criteria provided, single submitter. Criteria: Invitae Variant Classification Sherloc (09022015). Collection method: clinical testing. Allele origin: germline.
Comment: For these reasons, this variant has been classified as Pathogenic. This variant disrupts the p.Cys1672 amino acid residue in FBN1. Other variant(s) that disrupt this residue have been observed in affected individuals (PMID: 10486319, 18435798), suggesting that it is a clinically significant residue. As a result, variants that disrupt this residue are likely to be causative of disease. Algorithms developed to predict the effect of missense changes on protein structure and function are either unavailable or do not agree on the potential impact of this missense change (SIFT: "Deleterious"; PolyPhen-2: "Probably Damaging"; Align-GVGD: "Class C0"). This variant has been observed in an individual affected with Marfan Syndrome (PMID: 10486319). This variant is not present in population databases (ExAC no frequency). This sequence change replaces cysteine with phenylalanine at codon 1672 of the FBN1 protein (p.Cys1672Phe). The cysteine residue is highly conserved and there is a large physicochemical difference between cysteine and phenylalanine.

Literature cited by the submitters: PubMed 10486319 (cited by Labcorp Genetics (formerly Invitae), Labcorp); PubMed 18435798 (cited by Labcorp Genetics (formerly Invitae), Labcorp).